The following is an entry in ClinVar:

NM_000179.3(MSH6):c.3922_3944dup (p.Lys1315fs)

Gene: MSH6 (mutS homolog 6; plus strand). Cytogenetic location: 2p16.3.
Variant type: Duplication.
Coding change: c.3922_3944dup on transcript NM_000179.3 (MANE Select); coding-DNA positions 3922 to 3944, 23 bases duplicated (CTCCCAGAGGAAGTTATTCAAAA).
Protein change: p.Lys1315fs; shifts the reading frame from lysine 1315.
Molecular consequence: frameshift variant.
Genome position (GRCh38, 1-based): chr2:47,806,572-47,806,594, CTCCCAGAGGAAGTTATTCAAAA duplicated. VCF-style (leftmost placement, unchanged base first): chr2-47806571-T-TCTCCCAGAGGAAGTTATTCAAAA. GRCh37 (hg19) VCF-style: chr2-48033710-T-TCTCCCAGAGGAAGTTATTCAAAA.
Other names: c.3532_3554dup, p.Lys1185fs (NM_001281492.2); c.3016_3038dup, p.Lys1013fs (NM_001281493.2, NM_001281494.2); c.3922_3944dupCTCCCAGAGGAAGTTATTCAAAA (NM_000179.2); short protein forms K1013fs, K1185fs, K1315fs.
Identifiers: ClinVar variation 428417 (VCV000428417.15), dbSNP rs1553333599, ClinGen allele CA645369298.

ClinVar aggregate classification (germline): Pathogenic/Likely pathogenic. Review status: criteria provided, multiple submitters, no conflicts (2 of 4 stars). 3 submissions from 3 submitters: Pathogenic (2); Likely pathogenic (1). Last evaluated 2022-03-23.

Conditions:
Lynch syndrome. Identifiers: Orphanet 144, MedGen C4552100, MONDO:0005835. Disease mechanism: loss of function.
Hereditary cancer-predisposing syndrome. Also called: Hereditary Cancer Syndrome; Neoplastic Syndromes, Hereditary; Hereditary neoplastic syndrome; Tumor predisposition. Identifiers: Orphanet 140162, MedGen C0027672, MeSH D009386, MONDO:0015356.
Hereditary nonpolyposis colorectal neoplasms. Identifiers: MedGen C0009405, MeSH D003123.

Submissions (3):

Labcorp Genetics (formerly Invitae), Labcorp
Classification: Pathogenic for Hereditary nonpolyposis colorectal neoplasms. Last evaluated: 2022-03-23. Review status: criteria provided, single submitter. Criteria: Invitae Variant Classification Sherloc (09022015). Collection method: clinical testing. Allele origin: germline.
Comment: This sequence change creates a premature translational stop signal (p.Lys1315Asnfs*20) in the MSH6 gene. While this is not anticipated to result in nonsense mediated decay, it is expected to disrupt the last 46 amino acid(s) of the MSH6 protein. This variant is not present in population databases (gnomAD no frequency). For these reasons, this variant has been classified as Pathogenic. This variant disrupts a region of the MSH6 protein in which other variant(s) (p.Leu1330Valfs*12) have been determined to be pathogenic (PMID: 19851887, 21155762; Invitae). This suggests that this is a clinically significant region of the protein, and that variants that disrupt it are likely to be disease-causing. Algorithms developed to predict the effect of sequence changes on RNA splicing suggest that this variant may create or strengthen a splice site. ClinVar contains an entry for this variant (Variation ID: 428417). This variant has not been reported in the literature in individuals affected with MSH6-related conditions.

Women's Health and Genetics/Laboratory Corporation of America, LabCorp
Classification: Likely pathogenic for Hereditary nonpolyposis colon cancer. Last evaluated: 2017-04-06. Review status: criteria provided, single submitter. Criteria: LabCorp Variant Classification Summary - May 2015. Collection method: clinical testing. Allele origin: germline.
Comment: Variant summary: The MSH6 c.3922_3944dupCTCCCAGAGGAAGTTATTCAAAA (p.Lys1315Asnfs) variant results in a premature termination codon, predicted to cause a truncated or absent MSH6 protein due to nonsense mediated decay, which are commonly known mechanisms for disease. This variant is located in the second to last exon (exon 9) of MSH6 that encodes the P-loop containing nucleoside triphosphate hydrolase of the protein (InterPro). Truncations downstream or at the region of this position have been classified as pathogenic by our laboratory and other labs/reputable databases in ClinVar (e.g. c.3938_3941dupTTCA, c.3939_3957dup, c.3959_3962delCAAG, etc.). This variant is absent in 119912 control chromosomes from ExAC. The variant of interest has not, to our knowledge, been reported in affected individuals via publications. A reputable database cites the variant with a classification of "Causal." Therefore, until additional information becomes available (ie, clinical and functional studies), the variant of interest has been classified as "likely pathogenic."

Ambry Genetics
Classification: Pathogenic for Hereditary cancer-predisposing syndrome. Last evaluated: 2016-04-28. Review status: criteria provided, single submitter. Criteria: Ambry Variant Classification Scheme 2023. Collection method: clinical testing. Allele origin: germline.
Comment: The c.3922_3944dup23 variant, located in coding exon 9 of the MSH6 gene, results from a duplication of 23 nucleotides (CTCCCAGAGGAAGTTATTCAAAA) at nucleotide position 3922, causing a translational frameshift with a predicted alternate stop codon. Since frameshifts are typically deleterious in nature, this alteration is interpreted as a disease-causing mutation (ACMG Recommendations for Standards for Interpretation and Reporting of Sequence Variations. Revision 2007. Genet Med. 2008;10:294).

Literature cited by the submitters: PubMed 19851887 (cited by Labcorp Genetics (formerly Invitae), Labcorp); PubMed 21155762 (cited by Labcorp Genetics (formerly Invitae), Labcorp).